The following is an entry in ClinVar:

ClinVar aggregate classification (germline): Uncertain significance. Review status: criteria provided, multiple submitters, no conflicts (2 of 4 stars). 2 submissions from 2 submitters: Uncertain significance (2). Last evaluated 2025-03-27.

Conditions:
Cortical dysplasia-focal epilepsy syndrome (PTHSL1). Also called: Pitt-Hopkins-like syndrome 1. Identifiers: Orphanet 163681, Orphanet 221150, MedGen C2750246, MONDO:0012400, OMIM 610042.

Allele frequency attached by ClinVar (database versions not stated): gnomAD exomes below 0.00001; ExAC 0.00001.

Submissions (2):

Labcorp Genetics (formerly Invitae), Labcorp
Classification: Uncertain significance for Cortical dysplasia-focal epilepsy syndrome. Last evaluated: 2025-03-27. Review status: criteria provided, single submitter. Criteria: Invitae Variant Classification Sherloc (09022015). Collection method: clinical testing. Allele origin: germline.
Comment: This sequence change replaces valine, which is neutral and non-polar, with alanine, which is neutral and non-polar, at codon 422 of the CNTNAP2 protein (p.Val422Ala). This variant is present in population databases (rs771022281, gnomAD 0.0009%). This variant has not been reported in the literature in individuals affected with CNTNAP2-related conditions. ClinVar contains an entry for this variant (Variation ID: 1316057). An algorithm developed to predict the effect of missense changes on protein structure and function (PolyPhen-2) suggests that this variant is likely to be tolerated. In summary, the available evidence is currently insufficient to determine the role of this variant in disease. Therefore, it has been classified as a Variant of Uncertain Significance.

GeneDx
Classification: Uncertain significance. Last evaluated: 2020-01-30. Review status: criteria provided, single submitter. Criteria: GeneDx Variant Classification Process June 2021. Collection method: clinical testing. Allele origin: germline. Affected: yes.
Comment: Not observed at a significant frequency in large population cohorts (Lek et al., 2016); In silico analysis supports that this missense variant has a deleterious effect on protein structure/function; Has not been previously published as pathogenic or benign to our knowledge

NM_014141.6(CNTNAP2):c.1265T>C (p.Val422Ala)

Gene: CNTNAP2 (contactin associated protein 2; plus strand). Cytogenetic location: 7q35.
Variant type: single nucleotide variant.
Coding change: c.1265T>C on transcript NM_014141.6 (MANE Select); coding-DNA position 1265, T replaced by C.
Protein change: p.Val422Ala; replaces valine 422 with alanine.
Molecular consequence: missense variant.
Genome position (GRCh38, 1-based): chr7:147,132,426, T>C. VCF-style: chr7-147132426-T-C. GRCh37 (hg19) VCF-style: chr7-146829518-T-C.
Other names: short protein forms V422A.
Identifiers: ClinVar variation 1316057 (VCV001316057.3), dbSNP rs771022281, ClinGen allele CA4546011.